The following is an entry in ClinVar:

NM_000283.4(PDE6B):c.268G>A (p.Asp90Asn)

Gene: PDE6B (phosphodiesterase 6B; plus strand). Cytogenetic location: 4p16.3.
Variant type: single nucleotide variant.
Coding change: c.268G>A on transcript NM_000283.4 (MANE Select); coding-DNA position 268, G replaced by A.
Protein change: p.Asp90Asn; replaces aspartic acid 90 with asparagine.
Molecular consequence: missense variant.
Genome position (GRCh38, 1-based): chr4:625,894, G>A. VCF-style: chr4-625894-G-A. GRCh37 (hg19) VCF-style: chr4-619683-G-A.
Other names: c.268G>A, p.Asp90Asn (NM_001145291.2); short protein forms D90N.
Identifiers: ClinVar variation 2428217 (VCV002428217.6), dbSNP rs1299406502, ClinGen allele CA355906609.
Genomic context (GRCh38, chr4:625,894, plus strand): 5'-ATCAACATGGAGCGCGTGGTCTTCAAGGTCCTGCGGCGCCTCTGCACCCTCCTGCAGGCC[G>A]ACCGCTGCAGCCTCTTCATGTACCGCCAGCGCAACGGCGTGGCCGAGCTGGCCACCAGGC-3'
Protein context (NP_000274.3, residues 80-100): LRRLCTLLQA[Asp90Asn]RCSLFMYRQR

ClinVar aggregate classification (germline): Uncertain significance (1 of 4 stars; one submission).

gnomAD v4.1: 15 of 1,603,316 alleles (0.00094%); highest among the groups gnomAD compares: South Asian, 0.01%; no homozygotes.

Submission:

Labcorp Genetics (formerly Invitae), Labcorp
Classification: Uncertain significance. Last evaluated: 2025-09-15. Review status: criteria provided, single submitter. Criteria: Invitae Variant Classification Sherloc (09022015). Collection method: clinical testing. Allele origin: germline.
Comment: This sequence change replaces aspartic acid, which is acidic and polar, with asparagine, which is neutral and polar, at codon 90 of the PDE6B protein (p.Asp90Asn). This variant is present in population databases (no rsID available, gnomAD 0.01%). This variant has not been reported in the literature in individuals affected with PDE6B-related conditions. ClinVar contains an entry for this variant (Variation ID: 2428217). Invitae Evidence Modeling of protein sequence and biophysical properties (such as structural, functional, and spatial information, amino acid conservation, physicochemical variation, residue mobility, and thermodynamic stability) has been performed for this missense variant. However, the output from this modeling did not meet the statistical confidence thresholds required to predict the impact of this variant on PDE6B protein function. In summary, the available evidence is currently insufficient to determine the role of this variant in disease. Therefore, it has been classified as a Variant of Uncertain Significance.